The following is an entry in ClinVar:

NM_006767.4(LZTR1):c.1416G>T (p.Arg472Ser)

Gene: LZTR1 (leucine zipper like post translational regulator 1; plus strand). Cytogenetic location: 22q11.21.
Variant type: single nucleotide variant.
Coding change: c.1416G>T on transcript NM_006767.4 (MANE Select); coding-DNA position 1416, G replaced by T.
Protein change: p.Arg472Ser; replaces arginine 472 with serine.
Molecular consequence: missense variant.
Genome position (GRCh38, 1-based): chr22:20,993,986, G>T. VCF-style: chr22-20993986-G-T. GRCh37 (hg19) VCF-style: chr22-21348275-G-T.
Other names: short protein forms R472S.
Identifiers: ClinVar variation 1356934 (VCV001356934.5), dbSNP rs367740343, ClinGen allele CA410775240.
Genomic context (GRCh38, chr22:20,993,986, plus strand): 5'-GGAGGAGTGCGTGCAGGGCCACGTAGCCATTGTCACAGCGCGGAGCCGCTGGCTTCGCAG[G>T]AAGATCACGCAGGCGCGGGAGAGGCTGGCCCAGGTGAGGTGCCTAACCGCCCTGCCCTGA-3'
Protein context (NP_006758.2, residues 462-482): IVTARSRWLR[Arg472Ser]KITQARERLA

ClinVar aggregate classification (germline): Uncertain significance (1 of 4 stars; one submission).

Submission:

Labcorp Genetics (formerly Invitae), Labcorp
Classification: Uncertain significance. Last evaluated: 2022-01-07. Review status: criteria provided, single submitter. Criteria: Invitae Variant Classification Sherloc (09022015). Collection method: clinical testing. Allele origin: germline.
Comment: This sequence change replaces arginine, which is basic and polar, with serine, which is neutral and polar, at codon 472 of the LZTR1 protein (p.Arg472Ser). This variant is not present in population databases (gnomAD no frequency). This variant has not been reported in the literature in individuals affected with LZTR1-related conditions. Algorithms developed to predict the effect of missense changes on protein structure and function are either unavailable or do not agree on the potential impact of this missense change (SIFT: "Deleterious"; PolyPhen-2: "Benign"; Align-GVGD: "Class C0"). Algorithms developed to predict the effect of sequence changes on RNA splicing suggest that this variant may create or strengthen a splice site. In summary, the available evidence is currently insufficient to determine the role of this variant in disease. Therefore, it has been classified as a Variant of Uncertain Significance.